The following is an entry in ClinVar:

ClinVar aggregate classification (germline): Uncertain significance. Review status: criteria provided, multiple submitters, no conflicts (2 of 4 stars). 2 submissions from 2 submitters: Uncertain significance (2). Last evaluated 2025-04-01.

Conditions:
ANKRD17-related disorder. Also called: ANKRD17-related condition.
Inborn genetic diseases. Identifiers: MedGen C0950123, MeSH D030342.

Allele frequency attached by ClinVar (database versions not stated): gnomAD 0.00001; TOPMed 0.00001.
gnomAD v4.1: 41 of 1,545,208 alleles (0.0027%); highest among the groups gnomAD compares: Admixed American, 0.0059%; no homozygotes.

Submissions (2):

PreventionGenetics, part of Exact Sciences
Classification: Uncertain significance for ANKRD17-related condition. Last evaluated: 2025-04-01. Review status: criteria provided, single submitter. Criteria: ACMG Guidelines, 2015. Collection method: clinical testing. Allele origin: germline.
Comment: The ANKRD17 c.154C>T variant is predicted to result in the amino acid substitution p.Arg52Cys. This variant occurs in the pre-coding region of the primary transcript for this gene (NM_001286771.2:c.-35488C>T). To our knowledge, this variant has not been reported in the literature. This variant is reported in 1 of ~150,000 alleles in gnomAD; however, the quality of data at this position is questionable and should be interpreted with caution. At this time, the clinical significance of this variant is uncertain due to the absence of conclusive functional and genetic evidence.

Ambry Genetics
Classification: Uncertain significance for Inborn genetic diseases. Last evaluated: 2025-02-20. Review status: criteria provided, single submitter. Criteria: Ambry Variant Classification Scheme 2023. Collection method: clinical testing. Allele origin: germline.

NM_032217.5(ANKRD17):c.154C>T (p.Arg52Cys)

Genes: ANKRD17 (ankyrin repeat domain 17; minus strand), LOC129992670 (ATAC-STARR-seq lymphoblastoid silent region 15476; plus strand). Cytogenetic location: 4q13.3.
Variant type: single nucleotide variant.
Coding change: c.154C>T on transcript NM_032217.5 (MANE Select); coding-DNA position 154, C replaced by T.
Protein change: p.Arg52Cys; replaces arginine 52 with cysteine.
Molecular consequence: missense variant.
Genome position (GRCh38, 1-based): chr4:73,258,515, G>A on the plus strand (C>T on the coding strand, the complement: ANKRD17 is on the minus strand). VCF-style: chr4-73258515-G-A. GRCh37 (hg19) VCF-style: chr4-74124232-G-A.
Other names: c.154C>T (NM_032217.3); c.154C>T, p.Arg52Cys (NM_015574.2, NM_198889.3); short protein forms R52C.
Identifiers: ClinVar variation 2628864 (VCV002628864.3), dbSNP rs1326725305, ClinGen allele CA357435979.